The following is an entry in ClinVar:

NM_004360.5(CDH1):c.49-3C>G

Gene: CDH1 (cadherin 1; plus strand). Cytogenetic location: 16q22.1.
Variant type: single nucleotide variant.
Coding change: c.49-3C>G on transcript NM_004360.5 (MANE Select); 3 bases into the intron before coding-DNA position 49, C replaced by G.
Molecular consequence: intron variant.
Genome position (GRCh38, 1-based): chr16:68,738,294, C>G. VCF-style: chr16-68738294-C-G. GRCh37 (hg19) VCF-style: chr16-68772197-C-G.
Other names: c.-1567-3C>G (NM_001317185.2); c.-1771-3C>G (NM_001317186.2); c.49-3C>G (NM_001317184.2).
Identifiers: ClinVar variation 2826774 (VCV002826774.3), dbSNP rs587782366, ClinGen allele CA2739266842.
Genomic context (GRCh38, chr16:68,738,294, plus strand): 5'-TTTCGGTGAGCAGGAGGGAACCCTCCGAGTCACCCGGTTCCATCTACCTTTCCCCCACCC[C>G]AGGTCTCCTCTTGGCTCTGCCAGGAGCCGGAGCCCTGCCACCCTGGCTTTGACGCCGAGA-3'

ClinVar aggregate classification (germline): Uncertain significance (1 of 4 stars; one submission).

Conditions:
Hereditary diffuse gastric adenocarcinoma (HDGC). Also called: DIFFUSE GASTRIC AND LOBULAR BREAST CANCER SYNDROME. Identifiers: Orphanet 26106, MedGen C1708349, MONDO:0007648, OMIM 137215.

Submission:

Labcorp Genetics (formerly Invitae), Labcorp
Classification: Uncertain significance for Hereditary diffuse gastric adenocarcinoma. Last evaluated: 2023-05-08. Review status: criteria provided, single submitter. Criteria: Invitae Variant Classification Sherloc (09022015). Collection method: clinical testing. Allele origin: germline.
Comment: This sequence change falls in intron 1 of the CDH1 gene. It does not directly change the encoded amino acid sequence of the CDH1 protein. It affects a nucleotide within the consensus splice site. In summary, the available evidence is currently insufficient to determine the role of this variant in disease. Therefore, it has been classified as a Variant of Uncertain Significance. RNA analysis provides insufficient evidence to determine the effect of this variant on CDH1 splicing (Invitae) Algorithms developed to predict the effect of sequence changes on RNA splicing suggest that this variant may create or strengthen a splice site. This variant has not been reported in the literature in individuals affected with CDH1-related conditions. This variant is not present in population databases (gnomAD no frequency).